The following is an entry in ClinVar:

ClinVar aggregate classification (germline): Conflicting classifications of pathogenicity. Review status: criteria provided, conflicting classifications (1 of 4 stars). 4 submissions from 4 submitters: Likely pathogenic (2); Uncertain significance (2). Last evaluated 2025-09-15.

Conditions:
Hereditary cancer-predisposing syndrome. Also called: Tumor predisposition; Hereditary Cancer Syndrome; Neoplastic Syndromes, Hereditary; Hereditary neoplastic syndrome. Identifiers: Orphanet 140162, MedGen C0027672, MeSH D009386, MONDO:0015356.
Familial cancer of breast. Also called: hereditary breast carcinoma; BREAST CANCER, FAMILIAL; Hereditary breast cancer. Identifiers: Orphanet 227535, MedGen C0346153, MONDO:0016419, OMIM 114480. Disease mechanism: loss of function.
Fanconi anemia complementation group J. Also called: BRIP1-Related Fanconi Anemia. Identifiers: Orphanet 84, MedGen C1836860, MONDO:0012187, OMIM 609054.

Submissions (4):

Ambry Genetics
Classification: Uncertain significance for Hereditary cancer-predisposing syndrome. Last evaluated: 2025-09-15. Review status: criteria provided, single submitter. Criteria: Ambry Variant Classification Scheme 2023. Collection method: clinical testing. Allele origin: germline.
Comment: The p.S1056* variant (also known as c.3167C>G), located in coding exon 19 of the BRIP1 gene, results from a C to G substitution at nucleotide position 3167. This changes the amino acid from a serine to a stop codon within coding exon 19. This alteration occurs at the 3' terminus of the gene, is not expected to trigger nonsense-mediated mRNAdecay, and impacts the last 15.6% of the protein. The exact functional effect of this alteration is unknown. Based on the available evidence, the clinical significance of this variant remains unclear.

OLLIN Analises Genomicas, OLLIN
Classification: Uncertain significance for Familial cancer of breast. Last evaluated: 2025-08-04. Review status: criteria provided, single submitter. Criteria: ACMG Guidelines 2015 PMID 25741868. Collection method: clinical testing. Allele origin: germline. Affected: yes. Observed: 1 variant allele.
Comment: The nonsense variant (chr17:61683879G>C), located in exon 20 (of 20), is not reported in the gnomAD v4.1 non-UKB databases and was not found in the scientific literature. However, it is reported in the ClinVar database in an individual with breast cancer (VCV000862534.9). This variant introduces a premature stop codon, but predictably escapes mRNA degradation via nonsense-mediated decay (NMD). However, it removes more than 10% of the protein function content, and there are other nonsense and frameshift variants more distal to this one that are considered pathogenic. According to the currently available evidence, this variant has been classified as of uncertain significance (VUS) (PVS1_S, PM2_P).

Laboratorio de Genetica e Diagnostico Molecular, Hospital Israelita Albert Einstein
Classification: Likely pathogenic for Familial cancer of breast. Last evaluated: 2023-01-13. Review status: criteria provided, single submitter. Criteria: ACMG Guidelines, 2015. Collection method: clinical testing. Allele origin: germline. Affected: yes. Observed: 1 variant allele.
Comment: ACMG classification criteria: PVS1 strong, PM2 moderated

Labcorp Genetics (formerly Invitae), Labcorp
Classification: Likely pathogenic for Familial cancer of breast; Fanconi anemia complementation group J. Last evaluated: 2021-09-23. Review status: criteria provided, single submitter. Criteria: Invitae Variant Classification Sherloc (09022015). Collection method: clinical testing. Allele origin: germline.
Comment: This variant has not been reported in the literature in individuals affected with BRIP1-related conditions. This sequence change creates a premature translational stop signal (p.Ser1056*) in the BRIP1 gene. While this is not anticipated to result in nonsense mediated decay, it is expected to disrupt the last 194 amino acid(s) of the BRIP1 protein. This variant is not present in population databases (ExAC no frequency). ClinVar contains an entry for this variant (Variation ID: 862534). This variant disrupts the TopBP1-binding region of the BRIP1 protein, which plays a critical role in RPA chromatin loading and the activation of the replication checkpoint in response to DNA damage (PMID: 20159562, 21127055). While functional studies have not been performed to directly test the effect of this variant on BRIP1 protein function, this suggests that disruption of this region of the protein is causative of disease. In summary, the currently available evidence indicates that the variant is pathogenic, but additional data are needed to prove that conclusively. Therefore, this variant has been classified as Likely Pathogenic.

Literature cited by the submitters: PubMed 20159562 (cited by Labcorp Genetics (formerly Invitae), Labcorp); PubMed 21127055 (cited by Labcorp Genetics (formerly Invitae), Labcorp).

NM_032043.3(BRIP1):c.3167C>G (p.Ser1056Ter)

Gene: BRIP1 (BRCA1 interacting DNA helicase 1; minus strand). Cytogenetic location: 17q23.2.
Variant type: single nucleotide variant.
Coding change: c.3167C>G on transcript NM_032043.3 (MANE Select); coding-DNA position 3167, C replaced by G.
Protein change: p.Ser1056Ter; replaces serine 1056 with a stop codon.
Molecular consequence: nonsense.
Genome position (GRCh38, 1-based): chr17:61,683,879, G>C on the plus strand (C>G on the coding strand, the complement: BRIP1 is on the minus strand). VCF-style: chr17-61683879-G-C. GRCh37 (hg19) VCF-style: chr17-59761240-G-C.
Other names: short protein forms S1056*.
Identifiers: ClinVar variation 862534 (VCV000862534.10), dbSNP rs1603275438, ClinGen allele CA400479463.
Genomic context (GRCh38, chr17:61,683,879, plus strand): 5'-GATGAAATAATGGTTTCTGATTGAGGGCATGATCCAAACGATGTGTTTACTGTCAGATTT[G>C]AGGATTCACATTTATCAGTGAAGGGCAAAACAGTTTTACTTTCCATCTTCTCTGTTTTGA-3'